The following is an entry in ClinVar:

GRCh37/hg19 6p25.3-25.2(chr6:255350-3189972)x3

Genes: BPHL (biphenyl hydrolase like; plus strand), DUSP22 (dual specificity phosphatase 22; plus strand), EXOC2 (exocyst complex component 2; minus strand), FOXC1 (forkhead box C1; plus strand), FOXF2 (forkhead box F2; plus strand) and 13 more. Cytogenetic location: 6p25.3-25.2.
Variant type: copy number gain.
Change: copy number 3 (three copies instead of two) of chr6:255,350-3,189,972 (2.93 Mb, GRCh37 coordinates, 1-based), cytogenetic band 6p25.3-25.2.
Identifiers: ClinVar variation 242978 (VCV000242978.2).

ClinVar aggregate classification (germline): Pathogenic (0 of 4 stars; one submission).

Conditions:
Brachydactyly type E1 (BDE1). Identifiers: Orphanet 93387, MedGen C1862102, MONDO:0007223, OMIM 113300.

Submission:

Dipartimento di Medicina Molecolare e Biotecnologie Mediche, Federico II University of Naples
Classification: Pathogenic for Brachydactyly type E1. Last evaluated: 2016-07-09. Review status: no assertion criteria provided. Collection method: clinical testing. Allele origin: inherited. Inheritance: Autosomal dominant inheritance. Affected: yes. Observed: 4 variant alleles, 4 heterozygotes.
Comment: A familial 6p25 duplication involving the gene FOXC1 has been detected in 4 women with brachydactyly type E. Two of the patients also have short stature